The following is an entry in ClinVar:

NM_015178.3(RHOBTB2):c.1415C>G (p.Ala472Gly)

Gene: RHOBTB2 (Rho related BTB domain containing 2; plus strand). Cytogenetic location: 8p21.3.
Variant type: single nucleotide variant.
Coding change: c.1415C>G on transcript NM_015178.3 (MANE Select); coding-DNA position 1415, C replaced by G.
Protein change: p.Ala472Gly; replaces alanine 472 with glycine.
Molecular consequence: missense variant.
Genome position (GRCh38, 1-based): chr8:23,007,660, C>G. VCF-style: chr8-23007660-C-G. GRCh37 (hg19) VCF-style: chr8-22865173-C-G.
Other names: c.1481C>G, p.Ala494Gly (NM_001160036.2); c.1436C>G, p.Ala479Gly (NM_001160037.2); c.1415C>G, p.Ala472Gly (NM_001374791.1); short protein forms A472G, A494G, A479G.
Identifiers: ClinVar variation 1372792 (VCV001372792.6), dbSNP rs968291983, ClinGen allele CA173877694.

ClinVar aggregate classification (germline): Uncertain significance (1 of 4 stars; one submission).

Allele frequency attached by ClinVar (database versions not stated): gnomAD exomes below 0.00001; gnomAD 0.00001; TOPMed 0.00001.

Submission:

Labcorp Genetics (formerly Invitae), Labcorp
Classification: Uncertain significance. Last evaluated: 2024-12-10. Review status: criteria provided, single submitter. Criteria: Invitae Variant Classification Sherloc (09022015). Collection method: clinical testing. Allele origin: germline.
Comment: This sequence change replaces alanine, which is neutral and non-polar, with glycine, which is neutral and non-polar, at codon 494 of the RHOBTB2 protein (p.Ala494Gly). This variant is present in population databases (no rsID available, gnomAD 0.003%). This variant has not been reported in the literature in individuals affected with RHOBTB2-related conditions. ClinVar contains an entry for this variant (Variation ID: 1372792). Invitae Evidence Modeling of protein sequence and biophysical properties (such as structural, functional, and spatial information, amino acid conservation, physicochemical variation, residue mobility, and thermodynamic stability) indicates that this missense variant is not expected to disrupt RHOBTB2 protein function with a negative predictive value of 80%. In summary, the available evidence is currently insufficient to determine the role of this variant in disease. Therefore, it has been classified as a Variant of Uncertain Significance.